The following is an entry in ClinVar:

NM_000062.3(SERPING1):c.1259A>G (p.Asp420Gly)

Gene: SERPING1 (serpin family G member 1; plus strand). Cytogenetic location: 11q12.1.
Variant type: single nucleotide variant.
Coding change: c.1259A>G on transcript NM_000062.3 (MANE Select); coding-DNA position 1259, A replaced by G.
Protein change: p.Asp420Gly; replaces aspartic acid 420 with glycine.
Molecular consequence: missense variant.
Genome position (GRCh38, 1-based): chr11:57,614,337, A>G. VCF-style: chr11-57614337-A-G. GRCh37 (hg19) VCF-style: chr11-57381810-A-G.
Other names: c.1259A>G, p.Asp420Gly (NM_001032295.2); short protein forms D420G.
Identifiers: ClinVar variation 1715752 (VCV001715752.5), dbSNP rs2495457835, ClinGen allele CA380690155.

ClinVar aggregate classification (germline): Uncertain significance (1 of 4 stars; one submission).

Submission:

Labcorp Genetics (formerly Invitae), Labcorp
Classification: Uncertain significance. Last evaluated: 2022-08-08. Review status: criteria provided, single submitter. Criteria: Invitae Variant Classification Sherloc (09022015). Collection method: clinical testing. Allele origin: germline.
Comment: This sequence change replaces aspartic acid, which is acidic and polar, with glycine, which is neutral and non-polar, at codon 420 of the SERPING1 protein (p.Asp420Gly). This variant is not present in population databases (gnomAD no frequency). This variant has not been reported in the literature in individuals affected with SERPING1-related conditions. Advanced modeling of protein sequence and biophysical properties (such as structural, functional, and spatial information, amino acid conservation, physicochemical variation, residue mobility, and thermodynamic stability) performed at Invitae indicates that this missense variant is expected to disrupt SERPING1 protein function. In summary, the available evidence is currently insufficient to determine the role of this variant in disease. Therefore, it has been classified as a Variant of Uncertain Significance.